The following is an entry in ClinVar:

NM_031471.6(FERMT3):c.1439G>C (p.Ser480Thr)

Gene: FERMT3 (FERM domain containing kindlin 3; plus strand). Cytogenetic location: 11q13.1.
Variant type: single nucleotide variant.
Coding change: c.1439G>C on transcript NM_031471.6 (MANE Select); coding-DNA position 1439, G replaced by C.
Protein change: p.Ser480Thr; replaces serine 480 with threonine.
Molecular consequence: missense variant.
Genome position (GRCh38, 1-based): chr11:64,220,563, G>C. VCF-style: chr11-64220563-G-C. GRCh37 (hg19) VCF-style: chr11-63988035-G-C.
Other names: c.1439G>C, p.Ser480Thr (NM_001382361.1, NM_001382448.1); c.1451G>C, p.Ser484Thr (NM_001382362.1, NM_178443.3); c.899G>C, p.Ser300Thr (NM_001382363.1); c.911G>C, p.Ser304Thr (NM_001382364.1); short protein forms S480T, S484T, S304T, S300T.
Identifiers: ClinVar variation 1415917 (VCV001415917.6), dbSNP rs772388994, ClinGen allele CA6069164.

ClinVar aggregate classification (germline): Uncertain significance (1 of 4 stars; one submission).

Conditions:
Leukocyte adhesion deficiency 3. Also called: Leukocyte adhesion deficiency, type III; INTEGRIN ACTIVATION DEFICIENCY DISEASE; LEUKOCYTE ADHESION DEFICIENCY 1 VARIANT. Identifiers: Orphanet 2968, Orphanet 99844, MedGen C2748536, MONDO:0013016, OMIM 612840.

Allele frequency attached by ClinVar (database versions not stated): ExAC 0.00001; gnomAD 0.00001; gnomAD exomes 0.00001.
gnomAD v4.1: 11 of 1,607,888 alleles (0.00068%); highest among the groups gnomAD compares: South Asian, 0.01%; no homozygotes.

Submission:

Labcorp Genetics (formerly Invitae), Labcorp
Classification: Uncertain significance for Leukocyte adhesion deficiency 3. Last evaluated: 2024-04-22. Review status: criteria provided, single submitter. Criteria: Invitae Variant Classification Sherloc (09022015). Collection method: clinical testing. Allele origin: germline.
Comment: This sequence change replaces serine, which is neutral and polar, with threonine, which is neutral and polar, at codon 480 of the FERMT3 protein (p.Ser480Thr). This variant is present in population databases (rs772388994, gnomAD 0.007%). This variant has not been reported in the literature in individuals affected with FERMT3-related conditions. ClinVar contains an entry for this variant (Variation ID: 1415917). Advanced modeling of protein sequence and biophysical properties (such as structural, functional, and spatial information, amino acid conservation, physicochemical variation, residue mobility, and thermodynamic stability) performed at Invitae indicates that this missense variant is not expected to disrupt FERMT3 protein function with a negative predictive value of 80%. In summary, the available evidence is currently insufficient to determine the role of this variant in disease. Therefore, it has been classified as a Variant of Uncertain Significance.